The following is an entry in ClinVar:

ClinVar aggregate classification (germline): Uncertain significance. Review status: criteria provided, multiple submitters, no conflicts (2 of 4 stars). 3 submissions from 3 submitters: Uncertain significance (3). Last evaluated 2024-09-23.

Allele frequency attached by ClinVar (database versions not stated): ExAC 0.00002; gnomAD exomes 0.00004; TOPMed 0.00007; gnomAD 0.00013; ESP Exome Variant Server 0.00015; 1000 Genomes Project 30x 0.00016; 1000 Genomes Project 0.00020.
gnomAD v4.1: 102 of 1,614,244 alleles (0.0063%); highest among the groups gnomAD compares: Middle Eastern, 0.28%; 2 homozygotes.

Submissions (3):

Blueprint Genetics
Classification: Uncertain significance. Last evaluated: 2024-09-23. Review status: criteria provided, single submitter. Criteria: ACMG Guidelines, 2015. Collection method: clinical testing. Allele origin: germline.

Labcorp Genetics (formerly Invitae), Labcorp
Classification: Uncertain significance. Last evaluated: 2021-09-24. Review status: criteria provided, single submitter. Criteria: Invitae Variant Classification Sherloc (09022015). Collection method: clinical testing. Allele origin: germline.
Comment: This sequence change replaces serine with cysteine at codon 186 of the PIGC protein (p.Ser186Cys). The serine residue is moderately conserved and there is a moderate physicochemical difference between serine and cysteine. This variant is present in population databases (rs140958278, ExAC 0.01%). This variant has not been reported in the literature in individuals with PIGC-related conditions. Algorithms developed to predict the effect of missense changes on protein structure and function are either unavailable or do not agree on the potential impact of this missense change (SIFT: "Tolerated"; PolyPhen-2: "Probably Damaging"; Align-GVGD: "Class C0"). In summary, the available evidence is currently insufficient to determine the role of this variant in disease. Therefore, it has been classified as a Variant of Uncertain Significance.

Ambry Genetics
Classification: Uncertain significance. Last evaluated: 2021-08-09. Review status: criteria provided, single submitter. Criteria: Ambry Variant Classification Scheme 2023. Collection method: clinical testing. Allele origin: germline.

NM_153747.2(PIGC):c.557C>G (p.Ser186Cys)

Genes: C1orf105 (chromosome 1 open reading frame 105; plus strand), PIGC (phosphatidylinositol glycan anchor biosynthesis class C; minus strand). Cytogenetic location: 1q24.3.
Variant type: single nucleotide variant.
Coding change: c.557C>G on transcript NM_153747.2 (MANE Select); coding-DNA position 557, C replaced by G.
Protein change: p.Ser186Cys; replaces serine 186 with cysteine.
Molecular consequence: missense variant. On other transcripts: intron variant (1).
Genome position (GRCh38, 1-based): chr1:172,442,066, G>C on the plus strand (C>G on the coding strand, the complement: PIGC is on the minus strand). VCF-style: chr1-172442066-G-C. GRCh37 (hg19) VCF-style: chr1-172411206-G-C.
Other names: c.557C>G, p.Ser186Cys (NM_002642.4); c.22-3007G>C (NM_139240.4); short protein forms S186C.
Identifiers: ClinVar variation 2063404 (VCV002063404.3), dbSNP rs140958278, ClinGen allele CA1245955.